The following is an entry in ClinVar:

NM_000138.5(FBN1):c.50T>C (p.Leu17Ser)

Genes: FBN1 (fibrillin 1; minus strand), LOC130057019 (ATAC-STARR-seq lymphoblastoid silent region 6417; plus strand). Cytogenetic location: 15q21.1.
Variant type: single nucleotide variant.
Coding change: c.50T>C on transcript NM_000138.5 (MANE Select); coding-DNA position 50, T replaced by C.
Protein change: p.Leu17Ser; replaces leucine 17 with serine.
Molecular consequence: missense variant.
Genome position (GRCh38, 1-based): chr15:48,644,720, A>G on the plus strand (T>C on the coding strand, the complement: FBN1 is on the minus strand). VCF-style: chr15-48644720-A-G. GRCh37 (hg19) VCF-style: chr15-48936917-A-G.
Other names: p.L17S:TTA>TCA; short protein forms L17S.
Identifiers: ClinVar variation 200011 (VCV000200011.12), dbSNP rs794728201, ClinGen allele CA015646.
Genomic context (GRCh38, chr15:48,644,720, plus strand): 5'-GTTTCCTTCACGTTCCCAGCCTCCAAATTGGCGTCCGCCCCATGGCTCGTGTAGGACGCT[A>G]AAAGCACGGTAAATCCCAGGGCGATCTCCAGCAGACGCCCTCGACGCATGATGCCGAGCC-3'
Protein context (NP_000129.3, residues 7-27): LEIALGFTVL[Leu17Ser]ASYTSHGADA

ClinVar aggregate classification (germline): Uncertain significance. Review status: criteria provided, multiple submitters, no conflicts (2 of 4 stars). 2 submissions from 2 submitters: Uncertain significance (2). Last evaluated 2025-11-23.

Conditions:
Marfan syndrome (MFS). Also called: Marfan syndrome, classic; FBN1-Related Marfan Syndrome; Marfan syndrome type 1; Marfan's syndrome; MARFAN SYNDROME, TYPE I. Identifiers: Orphanet 284963, Orphanet 558, MedGen C0024796, MONDO:0007947, OMIM 154700.
Familial thoracic aortic aneurysm and aortic dissection (TAAD). Also called: Thoracic aortic aneurysms and dissections. Identifiers: Orphanet 91387, MedGen C4707243, MONDO:0019625.

Submissions (2):

Labcorp Genetics (formerly Invitae), Labcorp
Classification: Uncertain significance for Marfan syndrome; Familial thoracic aortic aneurysm and aortic dissection. Last evaluated: 2025-11-23. Review status: criteria provided, single submitter. Criteria: Invitae Variant Classification Sherloc (09022015). Collection method: clinical testing. Allele origin: germline.
Comment: This sequence change replaces leucine, which is neutral and non-polar, with serine, which is neutral and polar, at codon 17 of the FBN1 protein (p.Leu17Ser). This variant is not present in population databases (gnomAD no frequency). This missense change has been observed in individual(s) with clinical features of Marfan syndrome (internal data). ClinVar contains an entry for this variant (Variation ID: 200011). Invitae Evidence Modeling of protein sequence and biophysical properties (such as structural, functional, and spatial information, amino acid conservation, physicochemical variation, residue mobility, and thermodynamic stability) indicates that this missense variant is not expected to disrupt FBN1 protein function with a negative predictive value of 95%. In summary, the available evidence is currently insufficient to determine the role of this variant in disease. Therefore, it has been classified as a Variant of Uncertain Significance.

GeneDx
Classification: Uncertain significance. Last evaluated: 2025-04-23. Review status: criteria provided, single submitter. Criteria: GeneDx Variant Classification Process June 2021. Collection method: clinical testing. Allele origin: germline. Affected: yes.
Comment: Has not been previously published as pathogenic or benign to our knowledge; Not observed at significant frequency in large population cohorts (gnomAD); In silico analysis supports that this missense variant has a deleterious effect on protein structure/function; Does not affect a cysteine or calcium-binding residue within an EGF-like domain or a TGF-binding protein domain of the FBN1 gene; cysteine substitutions in the EGF-like domains represent the majority of pathogenic missense changes associated with FBN1-related disorders (PMID: 12938084); This variant is associated with the following publications: (PMID: 12938084)